The following is an entry in ClinVar:

ClinVar aggregate classification (germline): Uncertain significance. Review status: criteria provided, multiple submitters, no conflicts (2 of 4 stars). 3 submissions from 3 submitters: Uncertain significance (3). Last evaluated 2025-11-08.

Conditions:
Inborn genetic diseases. Identifiers: MedGen C0950123, MeSH D030342.

gnomAD v4.1: 60 of 1,614,012 alleles (0.0037%); highest among the groups gnomAD compares: African/African-American, 0.021%; no homozygotes.

Submissions (3):

Ambry Genetics
Classification: Uncertain significance for Inborn genetic diseases. Last evaluated: 2025-11-08. Review status: criteria provided, single submitter. Criteria: Ambry Variant Classification Scheme 2023. Collection method: clinical testing. Allele origin: germline.

Mayo Clinic Laboratories, Mayo Clinic
Classification: Uncertain significance. Last evaluated: 2024-08-20. Review status: criteria provided, single submitter. Criteria: ACMG Guidelines, 2015. Collection method: clinical testing. Allele origin: germline. Observed: 1 variant allele.
Comment: BP4

Blueprint Genetics
Classification: Uncertain significance. Last evaluated: 2022-12-07. Review status: criteria provided, single submitter. Criteria: ACMG Guidelines, 2015. Collection method: clinical testing. Allele origin: germline.

NM_001252.5(CD70):c.356C>T (p.Thr119Met)

Gene: CD70 (CD70 molecule; minus strand). Cytogenetic location: 19p13.3.
Variant type: single nucleotide variant.
Coding change: c.356C>T on transcript NM_001252.5 (MANE Select); coding-DNA position 356, C replaced by T.
Protein change: p.Thr119Met; replaces threonine 119 with methionine.
Molecular consequence: missense variant.
Genome position (GRCh38, 1-based): chr19:6,586,246, G>A on the plus strand (C>T on the coding strand, the complement: CD70 is on the minus strand). VCF-style: chr19-6586246-G-A. GRCh37 (hg19) VCF-style: chr19-6586257-G-A.
Other names: p.Thr119Met; c.356C>T, p.Thr119Met (NM_001330332.2); c.356C>T (NM_001252.3); short protein forms T119M.
Identifiers: ClinVar variation 3380561 (VCV003380561.3).
Genomic context (GRCh38, chr19:6,586,246, plus strand): 5'-CTACGGGAGGCGGGAGAGCAGATTCCCACGGCCAGGGTGGTGGGGTGGTGCCTGGAGGCC[G>A]TCGTGGAGGAGCAGATGGCCAGCGTCACCTGGATGTGTACCATGTAGATGCCATCACGAT-3'
Protein context (NP_001243.1, residues 109-129): QVTLAICSST[Thr119Met]ASRHHPTTLA